The following is an entry in ClinVar:

ClinVar aggregate classification (germline): Uncertain significance (1 of 4 stars; one submission).

Conditions:
Inborn genetic diseases. Identifiers: MedGen C0950123, MeSH D030342.

Submission:

Ambry Genetics
Classification: Uncertain significance for Inborn genetic diseases. Last evaluated: 2025-10-11. Review status: criteria provided, single submitter. Criteria: Ambry Variant Classification Scheme 2023. Collection method: clinical testing. Allele origin: germline.
Comment: The p.S824G variant (also known as c.2470A>G), located in coding exon 19 of the BUB1B gene, results from an A to G substitution at nucleotide position 2470. The serine at codon 824 is replaced by glycine, an amino acid with similar properties. This amino acid position is conserved. In addition, this alteration is predicted to be tolerated by in silico analysis. Based on the available evidence, the clinical significance of this variant remains unclear.

NM_001211.6(BUB1B):c.2470A>G (p.Ser824Gly)

Gene: BUB1B (BUB1 mitotic checkpoint serine/threonine kinase B; plus strand). Cytogenetic location: 15q15.1.
Variant type: single nucleotide variant.
Coding change: c.2470A>G on transcript NM_001211.6 (MANE Select); coding-DNA position 2470, A replaced by G.
Protein change: p.Ser824Gly; replaces serine 824 with glycine.
Molecular consequence: missense variant.
Genome position (GRCh38, 1-based): chr15:40,212,583, A>G. VCF-style: chr15-40212583-A-G. GRCh37 (hg19) VCF-style: chr15-40504784-A-G.
Other names: short protein forms S824G.
Identifiers: ClinVar variation 4600351 (VCV004600351.1).